The following is an entry in ClinVar:

NM_000051.4(ATM):c.4658A>G (p.Glu1553Gly)

Gene: ATM (ATM serine/threonine kinase; plus strand). Cytogenetic location: 11q22.3.
Variant type: single nucleotide variant.
Coding change: c.4658A>G on transcript NM_000051.4 (MANE Select); coding-DNA position 4658, A replaced by G.
Protein change: p.Glu1553Gly; replaces glutamic acid 1553 with glycine.
Molecular consequence: missense variant.
Genome position (GRCh38, 1-based): chr11:108,293,359, A>G. VCF-style: chr11-108293359-A-G. GRCh37 (hg19) VCF-style: chr11-108164086-A-G.
Other names: c.4658A>G, p.Glu1553Gly (NM_001351834.2); short protein forms E1553G.
Identifiers: ClinVar variation 630568 (VCV000630568.5), dbSNP rs587778075, ClinGen allele CA382534669.

ClinVar aggregate classification (germline): Uncertain significance (1 of 4 stars; one submission).

Conditions:
Hereditary cancer-predisposing syndrome. Also called: Tumor predisposition; Neoplastic Syndromes, Hereditary; Hereditary neoplastic syndrome; Hereditary Cancer Syndrome. Identifiers: Orphanet 140162, MedGen C0027672, MeSH D009386, MONDO:0015356.

Submission:

Color Diagnostics, LLC DBA Color Health
Classification: Uncertain significance for Hereditary cancer-predisposing syndrome. Last evaluated: 2023-12-05. Review status: criteria provided, single submitter. Criteria: ACMG Guidelines, 2015. Collection method: clinical testing. Allele origin: germline.
Comment: This missense variant replaces glutamic acid with glycine at codon 1553 of the ATM protein. Computational prediction suggests that this variant may not impact protein structure and function (internally defined REVEL score threshold <= 0.5, PMID: 27666373). To our knowledge, functional studies have not been reported for this variant. This variant has not been reported in individuals affected with ATM-related disorders in the literature. This variant has not been identified in the general population by the Genome Aggregation Database (gnomAD). The available evidence is insufficient to determine the role of this variant in disease conclusively. Therefore, this variant is classified as a Variant of Uncertain Significance.